The following is an entry in ClinVar:

NM_000901.5(NR3C2):c.2899C>T (p.Gln967Ter)

Gene: NR3C2 (nuclear receptor subfamily 3 group C member 2; minus strand). Cytogenetic location: 4q31.23.
Variant type: single nucleotide variant.
Coding change: c.2899C>T on transcript NM_000901.5 (MANE Select); coding-DNA position 2899, C replaced by T.
Protein change: p.Gln967Ter; replaces glutamine 967 with a stop codon.
Molecular consequence: nonsense. On other transcripts: non-coding transcript variant (1).
Genome position (GRCh38, 1-based): chr4:148,081,400, G>A on the plus strand (C>T on the coding strand, the complement: NR3C2 is on the minus strand). VCF-style: chr4-148081400-G-A. GRCh37 (hg19) VCF-style: chr4-149002551-G-A.
Other names: c.2548C>T, p.Gln850Ter (NM_001166104.2, NM_001354819.1); c.2899C>T, p.Gln967Ter (NM_001437654.1, NM_001437655.1, NM_001437656.1); c.2911C>T, p.Gln971Ter (NM_001437657.1); short protein forms Q850*, Q967*, Q971*.
Identifiers: ClinVar variation 4526591 (VCV004526591.2).

ClinVar aggregate classification (germline): Pathogenic (1 of 4 stars; one submission).

Conditions:
Renal tubulopathies.

Submission:

Genetics Laboratory, Great Ormond Street Hospital NHS Foundation Trust, North Thames Genomic Laboratory Hub
Classification: Pathogenic for Renal tubulopathies. Last evaluated: 2026-09-22. Review status: criteria provided, single submitter. Criteria: ACGS Best Practice Guidelines for Variant Classification in Rare Disease 2024 v1.2. Collection method: clinical testing. Allele origin: germline. Affected: yes.
Comment: PS4_supporting, PM2_moderate, PVS1_strong, PS2_strong